The following is an entry in ClinVar:

ClinVar aggregate classification (germline): Pathogenic. Review status: criteria provided, multiple submitters, no conflicts (2 of 4 stars). 12 submissions from 12 submitters: Pathogenic (9). 3 of the submissions do not count toward it. Last evaluated 2026-09-21.

Conditions:
MYBPC1-related disorder. Also called: MYBPC1-related condition.
Lethal congenital contracture syndrome 4 (LCCS4). Identifiers: MedGen C3554046, MONDO:0013965, OMIM 614915.
Myopathy, congenital, with tremor. Also called: myogenic tremor; CONGENITAL MYOPATHY 16. Identifiers: MedGen C5231401, MONDO:0032797, OMIM 618524.
Arthrogryposis, distal, type 1B. Identifiers: Orphanet 1146, MedGen C3280526, MONDO:0013698, OMIM 614335.
Inborn genetic diseases. Identifiers: MedGen C0950123, MeSH D030342.

Submissions (12):

GeneDx
Classification: Pathogenic. Last evaluated: 2026-09-21. Review status: criteria provided, single submitter. Criteria: GeneDx Variant Classification Process June 2021. Collection method: clinical testing. Allele origin: germline.
Comment: Published functional studies demonstrate a damaging effect: decreased binding of the Mmotif to myosin (PMID: 31264822); Not observed at significant frequency in large population cohorts (gnomAD); In silico analysis supports that this missense variant has a deleterious effect on protein structure/function; This variant is associated with the following publications: (PMID: 35510679, 38690148, 42211024, 37392669, 39843441, 31025394, 37853563, Tsuji2025[Casereport, 42224599, 37273706, 37577974, 31264822)

Variantyx, Inc.
Classification: Pathogenic for Myopathy, congenital, with tremor. Last evaluated: 2025-12-10. Review status: criteria provided, single submitter. Criteria: Variantyx Assertion Criteria 2022. Collection method: clinical testing. Allele origin: de novo. Inheritance: Autosomal dominant inheritance. Affected: yes.
Comment: This is a nonsynonymous variant in the MYBPC1 gene (OMIM: 160794). Pathogenic variants in this gene have been associated with autosomal dominant congenital myopathy 16. This variant has been reported in at least two affected individuals (PMID: 31264822) (PS4). Functional studies have shown that this variant alters MYBPC1 protein function (PMID: 31264822) (PS3), and multiple computational algorithms predict a deleterious effect for this variant (REVEL score: 0.823) (PP3). This variant lies within a known hotspot for pathogenic variants or a well-established critical functional domain of the MYBPC1 protein (PM1). It is absent from control populations (PM2). Based on the current evidence, this variant is classified as pathogenic for autosomal dominant congenital myopathy 16.

Revvity Omics, Revvity
Classification: Pathogenic. Last evaluated: 2025-06-18. Review status: criteria provided, single submitter. Criteria: ACMG Guidelines, 2015. Collection method: clinical testing. Allele origin: germline.

CeGaT Center for Human Genetics Tuebingen
Classification: Pathogenic. Last evaluated: 2024-08-01. Review status: criteria provided, single submitter. Criteria: CeGaT Center For Human Genetics Tuebingen Variant Classification Criteria Version 2. Collection method: clinical testing. Allele origin: germline. Affected: yes. Observed: 1 variant allele.
Comment: MYBPC1: PS2, PM2, PS4:Moderate, PP2, PP3, PS3:Supporting

Ambry Genetics
Classification: Pathogenic for Inborn genetic diseases. Last evaluated: 2023-09-05. Review status: criteria provided, single submitter. Criteria: Ambry Variant Classification Scheme 2023. Collection method: clinical testing. Allele origin: germline.
Comment: The c.788T>G (p.L263R) alteration is located in coding exon 11 of the MYBPC1 gene. This alteration results from a T to G substitution at nucleotide position 788, causing the leucine (L) at amino acid position 263 to be replaced by an arginine (R). for autosomal dominant MYBPC1-related congenital myopathy with tremor; however, its clinical significance for autosomal dominant MYBPC1-related distal arthrogryposis is uncertain. This variant was not reported in population-based cohorts in the Genome Aggregation Database (gnomAD). This variant has been determined to be the result of a de novo mutation multiple individuals with features consistent with MYBC1-related congenital myopathy with tremor (Shashi, 2019). This amino acid position is highly conserved in available vertebrate species. The p.L263R amino acid is located in the M-motif for the protein, which is involved in binding myosin and the formation of actomyosin cross-bridges during muscle contraction (Shashi, 2019). Multiple heterozygous alterations in the M-motif have been reported in patients with myopathy and tremors (Shashi, 2019; Stavusis, 2019). In vitro analysis demonstrated that recombinant protein with the p.L263R alteration had decreased myosin binding and decreased stability when compared to wild type protein (Shashi, 2019). This alteration is predicted to be deleterious by in silico analysis. Based on the available evidence, this alteration is classified as pathogenic.

Duke University Health System Sequencing Clinic, Duke University Health System
Classification: Pathogenic for Myopathy, congenital, with tremor. Last evaluated: 2023-04-20. Review status: criteria provided, single submitter. Criteria: ACMG Guidelines, 2015. Collection method: research. Allele origin: de novo. Affected: yes.

Blueprint Genetics
Classification: Pathogenic for MYBPC1-related disorders. Last evaluated: 2022-10-11. Review status: criteria provided, single submitter. Criteria: ACMG Guidelines, 2015. Collection method: clinical testing. Allele origin: germline. Affected: yes. Observed: 3 variant alleles.

3billion
Classification: Pathogenic for Myopathy, congenital, with tremor. Last evaluated: 2022-01-03. Review status: criteria provided, single submitter. Criteria: ACMG Guidelines, 2015. Collection method: clinical testing. Allele origin: germline. Affected: yes. Observed: 1 heterozygote.
Comment: Functional studies provide strong evidence of the variant having a damaging effect on the gene or gene product (PMID:31264822, , PS3_S). In silico tool predictions suggest damaging effect of the variant on gene or gene product (REVEL: 0.823, PP3_P). It is not observed in the gnomAD v2.1.1 dataset (PM2_M). The same variant was reported as de novo in a similarly affected inidiviual (PMID:31264822, PS2_S). Same nucleotide change resulting in same amino acid change has been previously reported as pathogenic/likely pathogenic with strong evidence (ClinVar ID: VCV000635215). Therefore, this variant is classified as pathogenic according to the recommendation of ACMG/AMP guideline.

Labcorp Genetics (formerly Invitae), Labcorp
Classification: Pathogenic. Last evaluated: 2019-12-05. Review status: criteria provided, single submitter. Criteria: Invitae Variant Classification Sherloc (09022015). Collection method: clinical testing. Allele origin: germline.
Comment: For these reasons, this variant has been classified as Pathogenic. Algorithms developed to predict the effect of missense changes on protein structure and function (SIFT, PolyPhen-2, Align-GVGD) all suggest that this variant is likely to be disruptive, but these predictions have not been confirmed by published functional studies and their clinical significance is uncertain. This variant has been observed in individuals with tremor and muscle weakness (PMID: 31264822). In at least one individual the variant was observed to be de novo. ClinVar contains an entry for this variant (Variation ID: 635215). This variant is not present in population databases (ExAC no frequency). This sequence change replaces leucine with arginine at codon 263 of the MYBPC1 protein (p.Leu263Arg). The leucine residue is highly conserved and there is a moderate physicochemical difference between leucine and arginine.

OMIM
Classification: Pathogenic for CONGENITAL MYOPATHY 16. Last evaluated: 2024-07-16. Review status: no assertion criteria provided. Collection method: literature only. Allele origin: germline. Not counted in ClinVar's aggregate classification.

PreventionGenetics, part of Exact Sciences
Classification: Pathogenic for MYBPC1-related condition. Last evaluated: 2024-02-23. Review status: no assertion criteria provided. Collection method: clinical testing. Allele origin: germline. Not counted in ClinVar's aggregate classification.
Comment: The MYBPC1 c.788T>G variant is predicted to result in the amino acid substitution p.Leu263Arg. This variant was reported to have occurred de novo in two different families in individuals with muscle weakness, tremors and hypotonia, and was inherited by an affected daughter in one family. Functional in vitro studies demonstrated this variants impairs myosin binding (Shashi. 2019. PubMed ID: 31264822). This variant has not been reported in a large population database, indicating this variant is rare. This variant is interpreted as pathogenic.

Genomics And Bioinformatics Analysis Resource, Columbia University
Classification: Likely pathogenic for MYBPC1-related condition. Last evaluated: 2017-04-05. Review status: no assertion criteria provided. Collection method: clinical testing. Allele origin: de novo, paternal. Affected: yes. Not counted in ClinVar's aggregate classification.

Literature cited by the submitters: PubMed 31264822 (cited by 6 submitters); PubMed 31025394 (cited by Ambry Genetics).

NM_002465.4(MYBPC1):c.788T>G (p.Leu263Arg)

Gene: MYBPC1 (myosin binding protein C1; plus strand). Cytogenetic location: 12q23.2.
Variant type: single nucleotide variant.
Coding change: c.788T>G on transcript NM_002465.4 (MANE Select); coding-DNA position 788, T replaced by G.
Protein change: p.Leu263Arg; replaces leucine 263 with arginine.
Molecular consequence: missense variant.
Genome position (GRCh38, 1-based): chr12:101,642,541, T>G. VCF-style: chr12-101642541-T-G. GRCh37 (hg19) VCF-style: chr12-102036319-T-G.
Other names: c.713T>G, p.Leu238Arg (NM_001254718.3, NM_001254719.3, NM_206820.4 and 1 more transcripts); c.713T>G (NM_001254718.1); c.677T>G, p.Leu226Arg (NM_001254720.3); c.656T>G, p.Leu219Arg (NM_001254721.3, NM_001404676.1, NM_001404678.1); c.635T>G, p.Leu212Arg (NM_001254722.3, NM_001404680.1); c.674T>G, p.Leu225Arg (NM_001254723.3); c.788T>G, p.Leu263Arg (NM_001404675.1, NM_206819.4); c.578T>G, p.Leu193Arg (NM_001404677.1, NM_001404679.1, NM_001404681.1); short protein forms L263R, L219R, L225R, L226R, L212R, L238R, L193R.
Identifiers: ClinVar variation 635215 (VCV000635215.50), dbSNP rs1565943228, ClinGen allele CA386280692.